The following is an entry in ClinVar:

ClinVar aggregate classification (germline): Uncertain significance. Review status: criteria provided, multiple submitters, no conflicts (2 of 4 stars). 2 submissions from 2 submitters: Uncertain significance (2). Last evaluated 2024-12-04.

Conditions:
Inborn genetic diseases. Identifiers: MedGen C0950123, MeSH D030342.

Allele frequency attached by ClinVar (database versions not stated): gnomAD 0.00001; TOPMed 0.00001.
gnomAD v4.1: 21 of 1,612,504 alleles (0.0013%); highest among the groups gnomAD compares: Non-Finnish European, 0.0017%; no homozygotes.

Submissions (2):

Labcorp Genetics (formerly Invitae), Labcorp
Classification: Uncertain significance. Last evaluated: 2024-12-04. Review status: criteria provided, single submitter. Criteria: Invitae Variant Classification Sherloc (09022015). Collection method: clinical testing. Allele origin: germline.
Comment: This sequence change replaces threonine, which is neutral and polar, with isoleucine, which is neutral and non-polar, at codon 18 of the TBXA2R protein (p.Thr18Ile). This variant is present in population databases (no rsID available, gnomAD 0.0009%). This variant has not been reported in the literature in individuals affected with TBXA2R-related conditions. ClinVar contains an entry for this variant (Variation ID: 2392473). An algorithm developed to predict the effect of missense changes on protein structure and function (PolyPhen-2) suggests that this variant is likely to be disruptive. In summary, the available evidence is currently insufficient to determine the role of this variant in disease. Therefore, it has been classified as a Variant of Uncertain Significance.

Ambry Genetics
Classification: Uncertain significance for Inborn genetic diseases. Last evaluated: 2022-06-29. Review status: criteria provided, single submitter. Criteria: Ambry Variant Classification Scheme 2023. Collection method: clinical testing. Allele origin: germline.

NM_001060.6(TBXA2R):c.53C>T (p.Thr18Ile)

Gene: TBXA2R (thromboxane A2 receptor; minus strand). Cytogenetic location: 19p13.3.
Variant type: single nucleotide variant.
Coding change: c.53C>T on transcript NM_001060.6 (MANE Select); coding-DNA position 53, C replaced by T.
Protein change: p.Thr18Ile; replaces threonine 18 with isoleucine.
Molecular consequence: missense variant.
Genome position (GRCh38, 1-based): chr19:3,600,582, G>A on the plus strand (C>T on the coding strand, the complement: TBXA2R is on the minus strand). VCF-style: chr19-3600582-G-A. GRCh37 (hg19) VCF-style: chr19-3600580-G-A.
Other names: c.53C>T, p.Thr18Ile (NM_201636.3); short protein forms T18I.
Identifiers: ClinVar variation 2392473 (VCV002392473.4), dbSNP rs1203424744, ClinGen allele CA403336148.